The following is an entry in ClinVar:

ClinVar aggregate classification (germline): Benign. Review status: criteria provided, multiple submitters, no conflicts (2 of 4 stars). 3 submissions from 3 submitters: Benign (3). Last evaluated 2026-02-02.

Conditions:
Primary dilated cardiomyopathy (DCM). Also called: Dilated Cardiomyopathy. Identifiers: Orphanet 217604, MedGen C0007193, MeSH D002311, MONDO:0005021, HP:0001644. Inheritance: Various modes of inheritance.

Allele frequency attached by ClinVar (database versions not stated): gnomAD exomes 0.00103 and 0.00257; ExAC 0.00362; 1000 Genomes Project 0.00938; 1000 Genomes Project 30x 0.00999; gnomAD 0.01081 and 0.01166; TOPMed 0.01171; ESP Exome Variant Server 0.01247.
gnomAD v4.1: 3,220 of 1,606,780 alleles (0.2%); highest among the groups gnomAD compares: African/African-American, 3.9%; 64 homozygotes.

Submissions (5):

Labcorp Genetics (formerly Invitae), Labcorp
Classification: Benign for Primary dilated cardiomyopathy. Last evaluated: 2026-02-02. Review status: criteria provided, single submitter. Criteria: Invitae Variant Classification Sherloc (09022015). Collection method: clinical testing. Allele origin: germline.

GeneDx
Classification: Benign. Last evaluated: 2016-11-21. Review status: criteria provided, single submitter. Criteria: GeneDx Variant Classification (06012015). Collection method: clinical testing. Allele origin: germline. Affected: yes.
Comment: This variant is considered likely benign or benign based on one or more of the following criteria: it is a conservative change, it occurs at a poorly conserved position in the protein, it is predicted to be benign by multiple in silico algorithms, and/or has population frequency not consistent with disease.

Breakthrough Genomics
Classification: Benign. Review status: criteria provided, single submitter. Criteria: ACMG Guidelines, 2015. Collection method: not provided. Allele origin: germline. Inheritance: Autosomal recessive inheritance. Affected: yes.

Dr. Peter K. Rogan Lab, Western University
No classification provided (evidence only). Condition: Familial cancer of breast. Review status: no classification provided. Collection method: in vitro. Allele origin: not applicable. Functional consequence: retained intron. Not counted in ClinVar's aggregate classification.

Dr. Peter K. Rogan Lab, Western University
No classification provided (evidence only). Condition: Cervical cancer. Review status: no classification provided. Collection method: in vitro. Allele origin: not applicable. Functional consequence: retained intron. Not counted in ClinVar's aggregate classification.

NM_006440.5(TXNRD2):c.1445+18C>T

Gene: TXNRD2 (thioredoxin reductase 2; minus strand). Cytogenetic location: 22q11.21.
Variant type: single nucleotide variant.
Coding change: c.1445+18C>T on transcript NM_006440.5 (MANE Select); 18 bases into the intron after coding-DNA position 1445, C replaced by T.
Molecular consequence: intron variant.
Genome position (GRCh38, 1-based): chr22:19,878,072, G>A on the plus strand (C>T on the coding strand, the complement: TXNRD2 is on the minus strand). VCF-style: chr22-19878072-G-A. GRCh37 (hg19) VCF-style: chr22-19865595-G-A.
Other names: c.1442+18C>T (NM_001352300.2); c.1157+18C>T (NM_001352302.2); c.1355+18C>T (NM_001352301.2).
Identifiers: ClinVar variation 387343 (VCV000387343.11), dbSNP rs41431147, ClinGen allele CA10103652.